The following is an entry in ClinVar:

NM_005751.5(AKAP9):c.7399G>A (p.Val2467Ile)

Gene: AKAP9 (A-kinase anchoring protein 9; plus strand). Cytogenetic location: 7q21.2.
Variant type: single nucleotide variant.
Coding change: c.7399G>A on transcript NM_005751.5 (MANE Select); coding-DNA position 7399, G replaced by A.
Protein change: p.Val2467Ile; replaces valine 2467 with isoleucine.
Molecular consequence: missense variant.
Genome position (GRCh38, 1-based): chr7:92,079,532, G>A. VCF-style: chr7-92079532-G-A. GRCh37 (hg19) VCF-style: chr7-91708846-G-A.
Other names: c.2044G>A, p.Val682Ile (NM_001379277.1); c.7375G>A, p.Val2459Ile (NM_147185.3); short protein forms V2459I, V2467I, V682I.
Identifiers: ClinVar variation 3282133 (VCV003282133.3).

ClinVar aggregate classification (germline): Uncertain significance. Review status: criteria provided, multiple submitters, no conflicts (2 of 4 stars). 2 submissions from 2 submitters: Uncertain significance (2). Last evaluated 2024-11-22.

Conditions:
Cardiovascular phenotype. Identifiers: MedGen CN230736.
Long QT syndrome (LQTS). Identifiers: MedGen C0023976, MeSH D008133, MONDO:0002442. Disease mechanism: loss of function. Inheritance: Various modes of inheritance.

gnomAD v4.1: 3 of 1,613,830 alleles (0.00019%); highest among the groups gnomAD compares: East Asian, 0.0022%; no homozygotes.

Submissions (2):

Labcorp Genetics (formerly Invitae), Labcorp
Classification: Uncertain significance for Long QT syndrome. Last evaluated: 2024-11-22. Review status: criteria provided, single submitter. Criteria: Invitae Variant Classification Sherloc (09022015). Collection method: clinical testing. Allele origin: germline.
Comment: This sequence change replaces valine, which is neutral and non-polar, with isoleucine, which is neutral and non-polar, at codon 2467 of the AKAP9 protein (p.Val2467Ile). This variant is present in population databases (no rsID available, gnomAD 0.006%). This variant has not been reported in the literature in individuals affected with AKAP9-related conditions. An algorithm developed to predict the effect of missense changes on protein structure and function outputs the following: PolyPhen-2: "Benign". The isoleucine amino acid residue is found in multiple mammalian species, which suggests that this missense change does not adversely affect protein function. In summary, the available evidence is currently insufficient to determine the role of this variant in disease. Therefore, it has been classified as a Variant of Uncertain Significance.

Ambry Genetics
Classification: Uncertain significance for Cardiovascular phenotype. Last evaluated: 2024-06-04. Review status: criteria provided, single submitter. Criteria: Ambry Variant Classification Scheme 2023. Collection method: clinical testing. Allele origin: germline.
Comment: The p.V2467I variant (also known as c.7399G>A), located in coding exon 31 of the AKAP9 gene, results from a G to A substitution at nucleotide position 7399. The valine at codon 2467 is replaced by isoleucine, an amino acid with highly similar properties. This amino acid position is conserved. In addition, this alteration is predicted to be tolerated by in silico analysis. Based on the available evidence, the clinical significance of this variant remains unclear.